The following is an entry in ClinVar:

ClinVar aggregate classification (germline): Pathogenic (1 of 4 stars; one submission).

Conditions:
Exostoses, multiple, type 2 (EXT2). Also called: Hereditary Multiple Osteochondromatosis, Type II; EXOSTOSES, MULTIPLE, TYPE II. Identifiers: Orphanet 321, MedGen C1851413, MONDO:0007586, OMIM 133701.

Submission:

Labcorp Genetics (formerly Invitae), Labcorp
Classification: Pathogenic for Exostoses, multiple, type 2. Last evaluated: 2024-05-28. Review status: criteria provided, single submitter. Criteria: Invitae Variant Classification Sherloc (09022015). Collection method: clinical testing. Allele origin: germline.
Comment: This sequence change creates a premature translational stop signal (p.Asn578Glufs*2) in the EXT2 gene. It is expected to result in an absent or disrupted protein product. Loss-of-function variants in EXT2 are known to be pathogenic (PMID: 10679937, 19810120). This variant is present in population databases (no rsID available, gnomAD no frequency). This premature translational stop signal has been observed in individual(s) with autosomal dominant osteochondromas (Invitae). ClinVar contains an entry for this variant (Variation ID: 2140989). For these reasons, this variant has been classified as Pathogenic.

Literature cited by the submitters: PubMed 10679937; PubMed 19810120.

NM_207122.2(EXT2):c.1731dup (p.Asn578fs)

Gene: EXT2 (exostosin glycosyltransferase 2; plus strand). Cytogenetic location: 11p11.2.
Variant type: Duplication.
Coding change: c.1731dup on transcript NM_207122.2 (MANE Select); coding-DNA position 1731, one base duplicated (G; older notation c.1731dupG).
Protein change: p.Asn578fs; shifts the reading frame from asparagine 578.
Molecular consequence: frameshift variant.
Genome position (GRCh38, 1-based): chr11:44,232,421, G duplicated. VCF-style (leftmost placement, unchanged base first): chr11-44232420-T-TG. GRCh37 (hg19) VCF-style: chr11-44253970-T-TG.
Other names: c.1830dup, p.Asn611fs (NM_000401.3); c.1761dup, p.Asn588fs (NM_001178083.3); c.1731dup, p.Asn578fs (NM_001389628.1, NM_001389630.1); short protein forms N611fs, N578fs, N588fs.
Identifiers: ClinVar variation 2140989 (VCV002140989.4), dbSNP rs1393024469, ClinGen allele CA598989599.